The following is an entry in ClinVar:

NM_024577.4(SH3TC2):c.*21786G>A

Gene: SH3TC2 (SH3 domain and tetratricopeptide repeats 2; minus strand). Cytogenetic location: 5q32.
Variant type: single nucleotide variant.
Coding change: c.*21786G>A on transcript NM_024577.4 (MANE Select); 21786 bases downstream of the stop codon, G replaced by A.
Molecular consequence: 3 prime UTR variant.
Genome position (GRCh38, 1-based): chr5:148,982,925, C>T on the plus strand (G>A on the coding strand, the complement: SH3TC2 is on the minus strand). VCF-style: chr5-148982925-C-T. GRCh37 (hg19) VCF-style: chr5-148362488-C-T.
Identifiers: ClinVar variation 351573 (VCV000351573.6), dbSNP rs6890482, ClinGen allele CA10623261.

ClinVar aggregate classification (germline): Likely benign. Review status: criteria provided, multiple submitters, no conflicts (2 of 4 stars). 3 submissions from 2 submitters: Likely benign (3). Last evaluated 2022-04-17.

Conditions:
Charcot-Marie-Tooth disease type 4C (CMT4C). Also called: CHARCOT-MARIE-TOOTH DISEASE, DEMYELINATING, AUTOSOMAL RECESSIVE, TYPE 4C; CMT 4C; Charcot-Marie-Tooth Neuropathy Type 4C (CMT4C); CHARCOT-MARIE-TOOTH DISEASE, DEMYELINATING, TYPE 4C; SH3TC2-Related Hereditary Motor and Sensory Neuropathy. Identifiers: Orphanet 99949, MedGen C1866636, MONDO:0011113, OMIM 601596.
Susceptibility to mononeuropathy of the median nerve, mild. Also called: CARPAL TUNNEL SYNDROME, SUSCEPTIBILITY TO. Identifiers: MedGen C3150596, MONDO:0013237, OMIM 613353.

Allele frequency attached by ClinVar (database versions not stated): 1000 Genomes Project 0.00339; gnomAD 0.00357; 1000 Genomes Project 30x 0.00359; TOPMed 0.00399.
gnomAD v4.1: 559 of 152,318 alleles (0.37%); highest among the groups gnomAD compares: African/African-American, 1.1%; 2 homozygotes.

Submissions (3):

GeneDx
Classification: Likely benign. Last evaluated: 2022-04-17. Review status: criteria provided, single submitter. Criteria: GeneDx Variant Classification Process June 2021. Collection method: clinical testing. Allele origin: germline. Affected: yes.

Illumina Laboratory Services, Illumina
Classification: Likely benign for Susceptibility to mononeuropathy of the median nerve, mild. Last evaluated: 2018-01-13. Review status: criteria provided, single submitter. Criteria: ICSL Variant Classification Criteria 13 December 2019. Collection method: clinical testing. Allele origin: germline.
Comment: This variant was observed in the ICSL laboratory as part of a predisposition screen in an ostensibly healthy population. It had not been previously curated by ICSL or reported in the Human Gene Mutation Database (HGMD: prior to June 1st, 2018), and was therefore a candidate for classification through an automated scoring system. Utilizing variant allele frequency, disease prevalence and penetrance estimates, and inheritance mode, an automated score was calculated to assess if this variant is too frequent to cause the disease. Based on the score and internal cut-off values, a variant classified as likely benign is not then subjected to further curation. The score for this variant resulted in a classification of likely benign for this disease.

Illumina Laboratory Services, Illumina
Classification: Likely benign for Charcot-Marie-Tooth disease type 4C. Last evaluated: 2018-01-13. Review status: criteria provided, single submitter. Criteria: ICSL Variant Classification Criteria 13 December 2019. Collection method: clinical testing. Allele origin: germline.
Comment: the same text as in the submission from Illumina Laboratory Services, Illumina above.